The following is an entry in ClinVar:

ClinVar aggregate classification (germline): Uncertain significance. Review status: criteria provided, multiple submitters, no conflicts (2 of 4 stars). 2 submissions from 2 submitters: Uncertain significance (2). Last evaluated 2025-01-14.

Conditions:
Haddad syndrome (OHD). Also called: Ondine-Hirschsprung disease. Identifiers: Orphanet 99803, MedGen C1859049, MONDO:0020493.
Hereditary cancer-predisposing syndrome. Also called: Neoplastic Syndromes, Hereditary; Tumor predisposition; Hereditary Cancer Syndrome; Hereditary neoplastic syndrome. Identifiers: Orphanet 140162, MedGen C0027672, MeSH D009386, MONDO:0015356.

gnomAD v4.1: 3 of 1,608,616 alleles (0.00019%); highest among the groups gnomAD compares: South Asian, 0.0011%; no homozygotes.

Submissions (2):

Labcorp Genetics (formerly Invitae), Labcorp
Classification: Uncertain significance for Haddad syndrome. Last evaluated: 2025-01-14. Review status: criteria provided, single submitter. Criteria: Invitae Variant Classification Sherloc (09022015). Collection method: clinical testing. Allele origin: germline.
Comment: This sequence change replaces aspartic acid, which is acidic and polar, with asparagine, which is neutral and polar, at codon 88 of the PHOX2B protein (p.Asp88Asn). This variant is not present in population databases (gnomAD no frequency). This variant has not been reported in the literature in individuals affected with PHOX2B-related conditions. Invitae Evidence Modeling of protein sequence and biophysical properties (such as structural, functional, and spatial information, amino acid conservation, physicochemical variation, residue mobility, and thermodynamic stability) indicates that this missense variant is not expected to disrupt PHOX2B protein function with a negative predictive value of 80%. In summary, the available evidence is currently insufficient to determine the role of this variant in disease. Therefore, it has been classified as a Variant of Uncertain Significance.

Ambry Genetics
Classification: Uncertain significance for Hereditary cancer-predisposing syndrome. Last evaluated: 2024-11-23. Review status: criteria provided, single submitter. Criteria: Ambry Variant Classification Scheme 2023. Collection method: clinical testing. Allele origin: germline.
Comment: The p.D88N variant (also known as c.262G>A), located in coding exon 2 of the PHOX2B gene, results from a G to A substitution at nucleotide position 262. The aspartic acid at codon 88 is replaced by asparagine, an amino acid with highly similar properties. This amino acid position is conserved. In addition, this alteration is predicted to be tolerated by in silico analysis. Based on the available evidence, the clinical significance of this variant remains unclear.

NM_003924.4(PHOX2B):c.262G>A (p.Asp88Asn)

Gene: PHOX2B (paired like homeobox 2B; minus strand). Cytogenetic location: 4p13.
Variant type: single nucleotide variant.
Coding change: c.262G>A on transcript NM_003924.4 (MANE Select); coding-DNA position 262, G replaced by A.
Protein change: p.Asp88Asn; replaces aspartic acid 88 with asparagine.
Molecular consequence: missense variant.
Genome position (GRCh38, 1-based): chr4:41,747,516, C>T on the plus strand (G>A on the coding strand, the complement: PHOX2B is on the minus strand). VCF-style: chr4-41747516-C-T. GRCh37 (hg19) VCF-style: chr4-41749533-C-T.
Other names: short protein forms D88N.
Identifiers: ClinVar variation 3417921 (VCV003417921.3).